The following is an entry in ClinVar:

NM_182643.3(DLC1):c.2206A>G (p.Asn736Asp)

Gene: DLC1 (DLC1 Rho GTPase activating protein; minus strand). Cytogenetic location: 8p22.
Variant type: single nucleotide variant.
Coding change: c.2206A>G on transcript NM_182643.3 (MANE Select); coding-DNA position 2206, A replaced by G.
Protein change: p.Asn736Asp; replaces asparagine 736 with aspartic acid.
Molecular consequence: missense variant.
Genome position (GRCh38, 1-based): chr8:13,100,131, T>C on the plus strand (A>G on the coding strand, the complement: DLC1 is on the minus strand). VCF-style: chr8-13100131-T-C. GRCh37 (hg19) VCF-style: chr8-12957640-T-C.
Other names: c.2206A>G (NM_182643.2); c.673A>G, p.Asn225Asp (NM_001164271.2, NM_001348082.2, NM_001348083.1 and 6 more transcripts); c.997A>G, p.Asn333Asp (NM_001316668.2, NM_001413129.1); c.2206A>G, p.Asn736Asp (NM_001348081.2, NM_001413124.1); c.895A>G, p.Asn299Asp (NM_001413136.1, NM_001413139.1, NM_006094.5 and 1 more transcripts); c.646A>G, p.Asn216Asp (NM_001413137.1, NM_001413131.1); c.1030A>G, p.Asn344Asp (NM_001413140.1); c.988A>G, p.Asn330Asp (NM_001413130.1); and 1 more; short protein forms N330D, N344D, N216D, N225D, N299D, N333D, N378D, N736D.
Identifiers: ClinVar variation 3678362 (VCV003678362.3).

ClinVar aggregate classification (germline): Uncertain significance. Review status: criteria provided, multiple submitters, no conflicts (2 of 4 stars). 2 submissions from 2 submitters: Uncertain significance (2). Last evaluated 2025-05-30.

gnomAD v4.1: 78 of 1,614,138 alleles (0.0048%); highest among the groups gnomAD compares: Non-Finnish European, 0.0066%; no homozygotes.

Submissions (2):

Ambry Genetics
Classification: Uncertain significance. Last evaluated: 2025-05-30. Review status: criteria provided, single submitter. Criteria: Ambry Variant Classification Scheme 2023. Collection method: clinical testing. Allele origin: germline.

Labcorp Genetics (formerly Invitae), Labcorp
Classification: Uncertain significance. Last evaluated: 2024-12-10. Review status: criteria provided, single submitter. Criteria: Invitae Variant Classification Sherloc (09022015). Collection method: clinical testing. Allele origin: germline.
Comment: This sequence change replaces asparagine, which is neutral and polar, with aspartic acid, which is acidic and polar, at codon 736 of the DLC1 protein (p.Asn736Asp). This variant is not present in population databases (gnomAD no frequency). This variant has not been reported in the literature in individuals affected with DLC1-related conditions. An algorithm developed to predict the effect of missense changes on protein structure and function (PolyPhen-2) suggests that this variant is likely to be tolerated. In summary, the available evidence is currently insufficient to determine the role of this variant in disease. Therefore, it has been classified as a Variant of Uncertain Significance.